The following is an entry in ClinVar:

ClinVar aggregate classification (germline): Uncertain significance (1 of 4 stars; one submission).

Submission:

Labcorp Genetics (formerly Invitae), Labcorp
Classification: Uncertain significance. Last evaluated: 2022-07-29. Review status: criteria provided, single submitter. Criteria: Invitae Variant Classification Sherloc (09022015). Collection method: clinical testing. Allele origin: germline.
Comment: In summary, the available evidence is currently insufficient to determine the role of this variant in disease. Therefore, it has been classified as a Variant of Uncertain Significance. Experimental studies and prediction algorithms are not available or were not evaluated, and the functional significance of this variant is currently unknown. This variant has not been reported in the literature in individuals affected with COL11A2-related conditions. This variant results in a copy number gain of the genomic region encompassing exon(s) 36-38 of the COL11A2 gene. While the exact position of this variant cannot be determined from the data, sub-genic copy number gains are generally in tandem (PMID: 25640679). This variant is predicted to be in-frame, and likely preserves the integrity of the reading frame.

Literature cited by the submitters: PubMed 25640679.

NC_000006.11:g.(?_33140817)_(33141352_?)dup

Gene: COL11A2 (collagen type XI alpha 2 chain; minus strand). Cytogenetic location: 6p21.32.
Variant type: Duplication.
Identifiers: ClinVar variation 2427186 (VCV002427186.6).